The following is an entry in ClinVar:

ClinVar aggregate classification (germline): Uncertain significance (1 of 4 stars; one submission).

Submission:

GeneDx
Classification: Uncertain significance. Last evaluated: 2023-06-06. Review status: criteria provided, single submitter. Criteria: GeneDx Variant Classification Process June 2021. Collection method: clinical testing. Allele origin: germline. Affected: yes.
Comment: Not observed at significant frequency in large population cohorts (gnomAD); In silico analysis supports that this variant does not alter protein structure/function; In silico analysis is inconclusive as to whether the variant alters gene splicing. In the absence of RNA/functional studies, the actual effect of this sequence change is unknown.; Has not been previously published as pathogenic or benign to our knowledge

NM_007192.4(SUPT16H):c.1924_1928delinsGAGGT (p.Lys642_Glu643delinsGluVal)

Gene: SUPT16H (SPT16 homolog, facilitates chromatin remodeling subunit; minus strand). Cytogenetic location: 14q11.2.
Variant type: Indel.
Coding change: c.1924_1928delinsGAGGT on transcript NM_007192.4 (MANE Select); coding-DNA positions 1924 to 1928, AAGGA replaced by GAGGT.
Protein change: p.Lys642_Glu643delinsGluVal.
Molecular consequence: missense variant.
Genome position (GRCh38, 1-based): chr14:21,361,079-21,361,083, TCCTT replaced by ACCTC on the plus strand (AAGGA replaced by GAGGT on the coding strand, the reverse complement: SUPT16H is on the minus strand). VCF-style: chr14-21361079-TCCTT-ACCTC. GRCh37 (hg19) VCF-style: chr14-21829238-TCCTT-ACCTC.
Identifiers: ClinVar variation 3359561 (VCV003359561.1).